The following is an entry in ClinVar:

NM_001273.5(CHD4):c.304C>T (p.Arg102Cys)

Gene: CHD4 (chromodomain helicase DNA binding protein 4; minus strand). Cytogenetic location: 12p13.31.
Variant type: single nucleotide variant.
Coding change: c.304C>T on transcript NM_001273.5 (MANE Select); coding-DNA position 304, C replaced by T.
Protein change: p.Arg102Cys; replaces arginine 102 with cysteine.
Molecular consequence: missense variant.
Genome position (GRCh38, 1-based): chr12:6,602,094, G>A on the plus strand (C>T on the coding strand, the complement: CHD4 is on the minus strand). VCF-style: chr12-6602094-G-A. GRCh37 (hg19) VCF-style: chr12-6711260-G-A.
Other names: c.283C>T, p.Arg95Cys (NM_001297553.2); c.304C>T, p.Arg102Cys (NM_001363606.2); c.304C>T (NM_001273.2); short protein forms R102C, R95C.
Identifiers: ClinVar variation 2439986 (VCV002439986.7), dbSNP rs138116135, ClinGen allele CA6412550.
Genomic context (GRCh38, chr12:6,602,094, plus strand): 5'-GTCCAAGCTTCTTCTTCTTCTTCTTGCCAGGAGTATAGTCGCTGCCCTCACTGTCTGAGC[G>A]CAGAGCCACCTCTTCCTCCTCCTCCACAAACTCTGGCCCCTCCCCAGAGCTGTCCCCCAG-3'
Protein context (NP_001264.2, residues 92-112): FVEEEEEVAL[Arg102Cys]SDSEGSDYTP

ClinVar aggregate classification (germline): Conflicting classifications of pathogenicity. Review status: criteria provided, conflicting classifications (1 of 4 stars). 3 submissions from 3 submitters: Uncertain significance (2); Likely benign (1). Last evaluated 2025-07-22.

Conditions:
Inborn genetic diseases. Identifiers: MedGen C0950123, MeSH D030342.
Sifrim-Hitz-Weiss syndrome (SIHIWES). Also called: CHD4 Neurodevelopmental Disorder; SIFRIM-HITZ-WEISS MULTIPLE CONGENITAL ANOMALIES-MENTAL RETARDATION SYNDROME. Identifiers: Orphanet 653712, MedGen C4310688, MONDO:0014946, OMIM 617159.

Allele frequency attached by ClinVar (database versions not stated): gnomAD 0.00005; ExAC 0.00006; ESP Exome Variant Server 0.00008.

Submissions (3):

Labcorp Genetics (formerly Invitae), Labcorp
Classification: Uncertain significance. Last evaluated: 2025-07-22. Review status: criteria provided, single submitter. Criteria: Invitae Variant Classification Sherloc (09022015). Collection method: clinical testing. Allele origin: germline.
Comment: This sequence change replaces arginine, which is basic and polar, with cysteine, which is neutral and slightly polar, at codon 102 of the CHD4 protein (p.Arg102Cys). This variant is present in population databases (rs138116135, gnomAD 0.01%). This variant has not been reported in the literature in individuals affected with CHD4-related conditions. ClinVar contains an entry for this variant (Variation ID: 2439986). Invitae Evidence Modeling of protein sequence and biophysical properties (such as structural, functional, and spatial information, amino acid conservation, physicochemical variation, residue mobility, and thermodynamic stability) indicates that this missense variant is not expected to disrupt CHD4 protein function with a negative predictive value of 80%. In summary, the available evidence is currently insufficient to determine the role of this variant in disease. Therefore, it has been classified as a Variant of Uncertain Significance.

Ambry Genetics
Classification: Likely benign for Inborn genetic diseases. Last evaluated: 2025-06-30. Review status: criteria provided, single submitter. Criteria: Ambry Variant Classification Scheme 2023. Collection method: clinical testing. Allele origin: germline.

Revvity Omics, Revvity
Classification: Uncertain significance for Sifrim-Hitz-Weiss syndrome. Last evaluated: 2019-08-15. Review status: criteria provided, single submitter. Criteria: ACMG Guidelines, 2015. Collection method: clinical testing. Allele origin: germline.